The following is an entry in ClinVar:

NM_000051.4(ATM):c.5695T>C (p.Cys1899Arg)

Gene: ATM (ATM serine/threonine kinase; plus strand). Cytogenetic location: 11q22.3.
Variant type: single nucleotide variant.
Coding change: c.5695T>C on transcript NM_000051.4 (MANE Select); coding-DNA position 5695, T replaced by C.
Protein change: p.Cys1899Arg; replaces cysteine 1899 with arginine.
Molecular consequence: missense variant.
Genome position (GRCh38, 1-based): chr11:108,307,917, T>C. VCF-style: chr11-108307917-T-C. GRCh37 (hg19) VCF-style: chr11-108178644-T-C.
Other names: c.5695T>C, p.Cys1899Arg (NM_001351834.2); short protein forms C1899R.
Identifiers: ClinVar variation 524316 (VCV000524316.20), dbSNP rs373213507, ClinGen allele CA6265758.

ClinVar aggregate classification (germline): Conflicting classifications of pathogenicity. Review status: criteria provided, conflicting classifications (1 of 4 stars). 4 submissions from 4 submitters: Uncertain significance (2); Likely benign (2). Last evaluated 2025-09-09.

Conditions:
Hereditary cancer-predisposing syndrome. Also called: Neoplastic Syndromes, Hereditary; Tumor predisposition; Hereditary Cancer Syndrome; Hereditary neoplastic syndrome. Identifiers: Orphanet 140162, MedGen C0027672, MeSH D009386, MONDO:0015356.
Familial cancer of breast. Also called: hereditary breast carcinoma; BREAST CANCER, FAMILIAL; Hereditary breast cancer. Identifiers: Orphanet 227535, MedGen C0346153, MONDO:0016419, OMIM 114480. Disease mechanism: loss of function.
Ataxia-telangiectasia syndrome (AT). Also called: ATAXIA-TELANGIECTASIA, COMPLEMENTATION GROUP A; ATAXIA-TELANGIECTASIA, FRESNO VARIANT; Ataxia-telangiectasia; Ataxia-telangiectasia, complementation group D; AT, COMPLEMENTATION GROUP C; Ataxia-telangiectasia, complementation group E. Identifiers: Orphanet 100, MedGen C0004135, MONDO:0008840, OMIM 208900.

Allele frequency attached by ClinVar (database versions not stated): gnomAD exomes below 0.00001; ExAC 0.00001; ESP Exome Variant Server 0.00008.
gnomAD v4.1: 3 of 1,613,812 alleles (0.00019%); highest among the groups gnomAD compares: South Asian, 0.0011%; no homozygotes.

Submissions (4):

Color Diagnostics, LLC DBA Color Health
Classification: Likely benign for Hereditary cancer-predisposing syndrome. Last evaluated: 2025-09-09. Review status: criteria provided, single submitter. Criteria: ACMG Guidelines, 2015. Collection method: clinical testing. Allele origin: germline.

Labcorp Genetics (formerly Invitae), Labcorp
Classification: Uncertain significance for Ataxia-telangiectasia syndrome. Last evaluated: 2024-09-28. Review status: criteria provided, single submitter. Criteria: Invitae Variant Classification Sherloc (09022015). Collection method: clinical testing. Allele origin: germline.
Comment: This sequence change replaces cysteine, which is neutral and slightly polar, with arginine, which is basic and polar, at codon 1899 of the ATM protein (p.Cys1899Arg). This variant is present in population databases (rs373213507, gnomAD 0.0009%). This variant has not been reported in the literature in individuals affected with ATM-related conditions. ClinVar contains an entry for this variant (Variation ID: 524316). An algorithm developed to predict the effect of missense changes on protein structure and function (PolyPhen-2) suggests that this variant is likely to be tolerated. In summary, the available evidence is currently insufficient to determine the role of this variant in disease. Therefore, it has been classified as a Variant of Uncertain Significance.

Ambry Genetics
Classification: Likely benign for Hereditary cancer-predisposing syndrome. Last evaluated: 2024-06-27. Review status: criteria provided, single submitter. Criteria: Ambry Variant Classification Scheme 2023. Collection method: clinical testing. Allele origin: germline.

Baylor Genetics
Classification: Uncertain significance for Familial cancer of breast. Last evaluated: 2024-03-30. Review status: criteria provided, single submitter. Criteria: ACMG Guidelines, 2015. Collection method: clinical testing. Allele origin: unknown.

Literature cited by the submitters: PubMed 30287823 (cited by Ambry Genetics).